The following is an entry in ClinVar:

ClinVar aggregate classification (germline): Uncertain significance (1 of 4 stars; one submission).

Submission:

Women's Health and Genetics/Laboratory Corporation of America, LabCorp
Classification: Uncertain significance. Last evaluated: 2022-02-23. Review status: criteria provided, single submitter. Criteria: LabCorp Variant Classification Summary - May 2015. Collection method: clinical testing. Allele origin: germline.
Comment: Variant summary: GUSB c.11G>A (p.Gly4Glu) results in a non-conservative amino acid change in the encoded protein sequence. Four of five in-silico tools predict a benign effect of the variant on protein function. The variant was absent in 122606 control chromosomes (gnomAD). The available data on variant occurrences in the general population are insufficient to allow any conclusion about variant significance. To our knowledge, no occurrence of c.11G>A in individuals affected with Mucopolysaccharidosis Type VII (Sly Syndrome) and no experimental evidence demonstrating its impact on protein function have been reported. No clinical diagnostic laboratories have submitted clinical-significance assessments for this variant to ClinVar after 2014. Based on the evidence outlined above, the variant was classified as uncertain significance.

NM_000181.4(GUSB):c.11G>A (p.Gly4Glu)

Gene: GUSB (glucuronidase beta; minus strand). Cytogenetic location: 7q11.21.
Variant type: single nucleotide variant.
Coding change: c.11G>A on transcript NM_000181.4 (MANE Select); coding-DNA position 11, G replaced by A.
Protein change: p.Gly4Glu; replaces glycine 4 with glutamic acid.
Molecular consequence: missense variant. On other transcripts: 5 prime UTR variant (2), non-coding transcript variant (1).
Genome position (GRCh38, 1-based): chr7:65,982,173, C>T on the plus strand (G>A on the coding strand, the complement: GUSB is on the minus strand). VCF-style: chr7-65982173-C-T. GRCh37 (hg19) VCF-style: chr7-65447160-C-T.
Other names: c.11G>A, p.Gly4Glu (NM_001284290.2); c.-375G>A (NM_001293104.2); c.-319G>A (NM_001293105.2); short protein forms G4E.
Identifiers: ClinVar variation 1343443 (VCV001343443.1), dbSNP rs1355624664, ClinGen allele CA367655768.